The following is an entry in ClinVar:

NM_002691.4(POLD1):c.3179G>T (p.Arg1060Leu)

Gene: POLD1 (DNA polymerase delta 1, catalytic subunit; plus strand). Cytogenetic location: 19q13.33.
Variant type: single nucleotide variant.
Coding change: c.3179G>T on transcript NM_002691.4 (MANE Select); coding-DNA position 3179, G replaced by T.
Protein change: p.Arg1060Leu; replaces arginine 1060 with leucine.
Molecular consequence: missense variant. On other transcripts: non-coding transcript variant (1).
Genome position (GRCh38, 1-based): chr19:50,417,230, G>T. VCF-style: chr19-50417230-G-T. GRCh37 (hg19) VCF-style: chr19-50920487-G-T.
Other names: c.3179G>T, p.Arg1060Leu (NM_001256849.1); c.3257G>T, p.Arg1086Leu (NM_001308632.1); c.3179G>T (NM_002691.2); short protein forms R1060L, R1086L.
Identifiers: ClinVar variation 1055702 (VCV001055702.10), dbSNP rs762090110, ClinGen allele CA406987441.

ClinVar aggregate classification (germline): Uncertain significance. Review status: criteria provided, multiple submitters, no conflicts (2 of 4 stars). 2 submissions from 2 submitters: Uncertain significance (2). Last evaluated 2025-03-01.

Conditions:
POLD1-related polyposis and colorectal cancer syndrome (CRCS10). Also called: Colorectal cancer 10; COLORECTAL CANCER, SUSCEPTIBILITY TO, ON CHROMOSOME 19q; Colorectal cancer, susceptibility to, 10. Identifiers: Orphanet 220460, MedGen C2675481, MONDO:0012953, OMIM 612591.
Hereditary cancer-predisposing syndrome. Also called: Tumor predisposition; Hereditary Cancer Syndrome; Hereditary neoplastic syndrome; Neoplastic Syndromes, Hereditary. Identifiers: Orphanet 140162, MedGen C0027672, MeSH D009386, MONDO:0015356.

Submissions (2):

Ambry Genetics
Classification: Uncertain significance for Hereditary cancer-predisposing syndrome. Last evaluated: 2025-03-01. Review status: criteria provided, single submitter. Criteria: Ambry Variant Classification Scheme 2023. Collection method: clinical testing. Allele origin: germline.
Comment: The p.R1060L variant (also known as c.3179G>T), located in coding exon 25 of the POLD1 gene, results from a G to T substitution at nucleotide position 3179. The arginine at codon 1060 is replaced by leucine, an amino acid with dissimilar properties. This amino acid position is conserved. In addition, the in silico prediction for this alteration is inconclusive. Based on the available evidence, the clinical significance of this variant remains unclear.

Labcorp Genetics (formerly Invitae), Labcorp
Classification: Uncertain significance for POLD1-related polyposis and colorectal cancer syndrome. Last evaluated: 2020-08-14. Review status: criteria provided, single submitter. Criteria: Invitae Variant Classification Sherloc (09022015). Collection method: clinical testing. Allele origin: germline.
Comment: In summary, the available evidence is currently insufficient to determine the role of this variant in disease. Therefore, it has been classified as a Variant of Uncertain Significance. Algorithms developed to predict the effect of missense changes on protein structure and function are either unavailable or do not agree on the potential impact of this missense change (SIFT: "Deleterious"; PolyPhen-2: "Probably Damaging"; Align-GVGD: "Class C0"). This variant has not been reported in the literature in individuals with POLD1-related conditions. This variant is not present in population databases (ExAC no frequency). This sequence change replaces arginine with leucine at codon 1060 of the POLD1 protein (p.Arg1060Leu). The arginine residue is moderately conserved and there is a moderate physicochemical difference between arginine and leucine.